The following is an entry in ClinVar:

NM_001168235.2(FREM3):c.1695T>C (p.Phe565=)

Gene: FREM3 (FRAS1 related extracellular matrix 3; minus strand). Cytogenetic location: 4q31.21.
Variant type: single nucleotide variant.
Coding change: c.1695T>C on transcript NM_001168235.2 (MANE Select); coding-DNA position 1695, T replaced by C.
Protein change: p.Phe565=; no amino-acid change (phenylalanine 565 retained).
Molecular consequence: synonymous variant.
Genome position (GRCh38, 1-based): chr4:143,698,981, A>G on the plus strand (T>C on the coding strand, the complement: FREM3 is on the minus strand). VCF-style: chr4-143698981-A-G. GRCh37 (hg19) VCF-style: chr4-144620134-A-G.
Identifiers: ClinVar variation 2655106 (VCV002655106.24), dbSNP rs144048977, ClinGen allele CA3091837.
Genomic context (GRCh38, chr4:143,698,981, plus strand): 5'-GTTCTCCAGCACAAAGTGGATGGTTGAGTCCTCAGAGTCAATATCAGTAGCACTCAGTAC[A>G]AAGGGAGAGATCTGGACCACCTGCCCTTCAGTGAGTGAGAGTCCTGTGTTAGTATTGACC-3'
Protein context (NP_001161707.1, residues 555-575): TEGQVVQISP[Phe565=]VLSATDIDSE

ClinVar aggregate classification (germline): Likely benign (1 of 4 stars; one submission).

Allele frequency attached by ClinVar (database versions not stated): 1000 Genomes Project 0.00100; 1000 Genomes Project 30x 0.00109; ExAC 0.00154; gnomAD 0.00354; ESP Exome Variant Server 0.00372; TOPMed 0.00433; gnomAD exomes 0.00475.
gnomAD v4.1: 7,123 of 1,537,270 alleles (0.46%); highest among the groups gnomAD compares: Non-Finnish European, 0.56%; 26 homozygotes.

Submission:

CeGaT Center for Human Genetics Tuebingen
Classification: Likely benign. Last evaluated: 2023-02-01. Review status: criteria provided, single submitter. Criteria: CeGaT Center For Human Genetics Tuebingen Variant Classification Criteria Version 2. Collection method: clinical testing. Allele origin: germline. Affected: yes. Observed: 1 variant allele.
Comment: FREM3: BP4, BP7